The following is an entry in ClinVar:

NM_004385.5(VCAN):c.9493+5G>T

Genes: VCAN (versican; plus strand), VCAN-AS1 (VCAN antisense RNA 1; minus strand). Cytogenetic location: 5q14.3.
Variant type: single nucleotide variant.
Coding change: c.9493+5G>T on transcript NM_004385.5 (MANE Select); 5 bases into the intron after coding-DNA position 9493, G replaced by T.
Molecular consequence: intron variant.
Genome position (GRCh38, 1-based): chr5:83,548,089, G>T. VCF-style: chr5-83548089-G-T. GRCh37 (hg19) VCF-style: chr5-82843908-G-T.
Other names: c.4231+5G>T (NM_001164098.2); c.6532+5G>T (NM_001164097.2); c.1270+5G>T (NM_001126336.3).
Identifiers: ClinVar variation 1054665 (VCV001054665.9), dbSNP rs779261955, ClinGen allele CA3334010.
Genomic context (GRCh38, chr5:83,548,089, plus strand): 5'-TAACACATTCAGGTGCCTCTGCCTTCCAAGTTATGTTGGTGCACTTTGTGAGCAAGGTAA[G>T]AGCTATTGCAACATTTGTATGATGAACATTATTGATTTTTTTTTAGCAATTTTGGCCTCA-3'

ClinVar aggregate classification (germline): Uncertain significance. Review status: criteria provided, multiple submitters, no conflicts (2 of 4 stars). 2 submissions from 2 submitters: Uncertain significance (2). Last evaluated 2023-08-29.

Allele frequency attached by ClinVar (database versions not stated): ExAC 0.00001.
gnomAD v4.1: 50 of 1,606,578 alleles (0.0031%); highest among the groups gnomAD compares: Non-Finnish European, 0.004%; no homozygotes.

Submissions (3):

Labcorp Genetics (formerly Invitae), Labcorp
Classification: Uncertain significance. Last evaluated: 2023-08-29. Review status: criteria provided, single submitter. Criteria: Invitae Variant Classification Sherloc (09022015). Collection method: clinical testing. Allele origin: germline.
Comment: In summary, the available evidence is currently insufficient to determine the role of this variant in disease. Therefore, it has been classified as a Variant of Uncertain Significance. Variants that disrupt the consensus splice site are a relatively common cause of aberrant splicing (PMID: 17576681, 9536098). Algorithms developed to predict the effect of sequence changes on RNA splicing suggest that this variant is not likely to affect RNA splicing. ClinVar contains an entry for this variant (Variation ID: 1054665). This variant has not been reported in the literature in individuals affected with VCAN-related conditions. This variant is present in population databases (rs779261955, gnomAD 0.0008%). This sequence change falls in intron 10 of the VCAN gene. It does not directly change the encoded amino acid sequence of the VCAN protein. It affects a nucleotide within the consensus splice site.

Blueprint Genetics
Classification: Uncertain significance. Last evaluated: 2022-03-10. Review status: criteria provided, single submitter. Criteria: ACMG Guidelines, 2015. Collection method: clinical testing. Allele origin: germline.

Dr. Peter K. Rogan Lab, Western University
No classification provided (evidence only). Condition: Colorectal cancer. Review status: no classification provided. Collection method: in vitro. Allele origin: not applicable. Functional consequence: skipped exon. Not counted in ClinVar's aggregate classification.

Literature cited by the submitters: PubMed 17576681 (cited by Labcorp Genetics (formerly Invitae), Labcorp); PubMed 9536098 (cited by Labcorp Genetics (formerly Invitae), Labcorp).